The following is an entry in ClinVar:

ClinVar aggregate classification (germline): Likely benign. Review status: criteria provided, single submitter (1 of 4 stars). 2 submissions from 2 submitters: Likely benign (1). 1 of the submissions does not count toward it. Last evaluated 2024-11-25.

Conditions:
RPS15-related disorder. Also called: RPS15-related condition.

Allele frequency attached by ClinVar (database versions not stated): ExAC 0.00029; gnomAD 0.00033.
gnomAD v4.1: 338 of 1,583,426 alleles (0.021%); highest among the groups gnomAD compares: Middle Eastern, 0.25%; no homozygotes.

Submissions (2):

Blueprint Genetics
Classification: Likely benign. Last evaluated: 2024-11-25. Review status: criteria provided, single submitter. Criteria: ACMG Guidelines, 2015. Collection method: clinical testing. Allele origin: germline.

PreventionGenetics, part of Exact Sciences
Classification: Likely benign for RPS15-related condition. Last evaluated: 2023-09-27. Review status: no assertion criteria provided. Collection method: clinical testing. Allele origin: germline. Not counted in ClinVar's aggregate classification.
Comment: This variant is classified as likely benign based on ACMG/AMP sequence variant interpretation guidelines (Richards et al. 2015 PMID: 25741868, with internal and published modifications).

NM_001018.5(RPS15):c.162C>T (p.His54=)

Gene: RPS15 (ribosomal protein S15; plus strand). Cytogenetic location: 19p13.3.
Variant type: single nucleotide variant.
Coding change: c.162C>T on transcript NM_001018.5 (MANE Select); coding-DNA position 162, C replaced by T.
Protein change: p.His54=; no amino-acid change (histidine 54 retained).
Molecular consequence: synonymous variant.
Genome position (GRCh38, 1-based): chr19:1,440,091, C>T. VCF-style: chr19-1440091-C-T. GRCh37 (hg19) VCF-style: chr19-1440090-C-T.
Other names: c.183C>T, p.His61= (NM_001308226.2).
Identifiers: ClinVar variation 3048640 (VCV003048640.3), dbSNP rs778995103, ClinGen allele CA9044459.